The following is an entry in ClinVar:

ClinVar aggregate classification (germline): Uncertain significance (1 of 4 stars; one submission).

Conditions:
Dilated cardiomyopathy 1DD (CMD1DD). Identifiers: Orphanet 154, MedGen C2750995, MONDO:0013168, OMIM 613172.

Submission:

Labcorp Genetics (formerly Invitae), Labcorp
Classification: Uncertain significance for Dilated cardiomyopathy 1DD. Last evaluated: 2025-10-13. Review status: criteria provided, single submitter. Criteria: Invitae Variant Classification Sherloc (09022015). Collection method: clinical testing. Allele origin: germline.
Comment: This sequence change replaces serine, which is neutral and polar, with phenylalanine, which is neutral and non-polar, at codon 36 of the RBM20 protein (p.Ser36Phe). This variant is not present in population databases (gnomAD no frequency). This variant has not been reported in the literature in individuals affected with RBM20-related conditions. Invitae Evidence Modeling of protein sequence and biophysical properties (such as structural, functional, and spatial information, amino acid conservation, physicochemical variation, residue mobility, and thermodynamic stability) indicates that this missense variant is not expected to disrupt RBM20 protein function with a negative predictive value of 95%. In summary, the available evidence is currently insufficient to determine the role of this variant in disease. Therefore, it has been classified as a Variant of Uncertain Significance.

NM_001134363.3(RBM20):c.107C>T (p.Ser36Phe)

Gene: RBM20 (RNA binding motif protein 20; plus strand). Cytogenetic location: 10q25.2.
Variant type: single nucleotide variant.
Coding change: c.107C>T on transcript NM_001134363.3 (MANE Select); coding-DNA position 107, C replaced by T.
Protein change: p.Ser36Phe; replaces serine 36 with phenylalanine.
Molecular consequence: missense variant.
Genome position (GRCh38, 1-based): chr10:110,644,561, C>T. VCF-style: chr10-110644561-C-T. GRCh37 (hg19) VCF-style: chr10-112404319-C-T.
Other names: short protein forms S36F.
Identifiers: ClinVar variation 4705131 (VCV004705131.1).